The following is an entry in ClinVar:

NM_002439.5(MSH3):c.2441T>G (p.Phe814Cys)

Gene: MSH3 (mutS homolog 3; plus strand). Cytogenetic location: 5q14.1.
Variant type: single nucleotide variant.
Coding change: c.2441T>G on transcript NM_002439.5 (MANE Select); coding-DNA position 2441, T replaced by G.
Protein change: p.Phe814Cys; replaces phenylalanine 814 with cysteine.
Molecular consequence: missense variant.
Genome position (GRCh38, 1-based): chr5:80,787,570, T>G. VCF-style: chr5-80787570-T-G. GRCh37 (hg19) VCF-style: chr5-80083389-T-G.
Other names: short protein forms F814C.
Identifiers: ClinVar variation 652506 (VCV000652506.12), dbSNP rs1580051105, ClinGen allele CA360282940.

ClinVar aggregate classification (germline): Uncertain significance. Review status: criteria provided, multiple submitters, no conflicts (2 of 4 stars). 3 submissions from 3 submitters: Uncertain significance (3). Last evaluated 2024-08-30.

Conditions:
Hereditary cancer-predisposing syndrome. Also called: Neoplastic Syndromes, Hereditary; Tumor predisposition; Hereditary Cancer Syndrome; Hereditary neoplastic syndrome. Identifiers: Orphanet 140162, MedGen C0027672, MeSH D009386, MONDO:0015356.

Allele frequency attached by ClinVar (database versions not stated): gnomAD exomes 0.00001.
gnomAD v4.1: 14 of 1,611,978 alleles (0.00087%); highest among the groups gnomAD compares: Non-Finnish European, 0.0011%; no homozygotes.

Submissions (3):

Labcorp Genetics (formerly Invitae), Labcorp
Classification: Uncertain significance. Last evaluated: 2024-08-30. Review status: criteria provided, single submitter. Criteria: Invitae Variant Classification Sherloc (09022015). Collection method: clinical testing. Allele origin: germline.
Comment: This sequence change replaces phenylalanine, which is neutral and non-polar, with cysteine, which is neutral and slightly polar, at codon 814 of the MSH3 protein (p.Phe814Cys). This variant is not present in population databases (gnomAD no frequency). This variant has not been reported in the literature in individuals affected with MSH3-related conditions. ClinVar contains an entry for this variant (Variation ID: 652506). An algorithm developed to predict the effect of missense changes on protein structure and function (PolyPhen-2) suggests that this variant is likely to be disruptive. In summary, the available evidence is currently insufficient to determine the role of this variant in disease. Therefore, it has been classified as a Variant of Uncertain Significance.

Ambry Genetics
Classification: Uncertain significance for Hereditary cancer-predisposing syndrome. Last evaluated: 2023-11-02. Review status: criteria provided, single submitter. Criteria: Ambry Variant Classification Scheme 2023. Collection method: clinical testing. Allele origin: germline.
Comment: The p.F814C variant (also known as c.2441T>G), located in coding exon 18 of the MSH3 gene, results from a T to G substitution at nucleotide position 2441. The phenylalanine at codon 814 is replaced by cysteine, an amino acid with highly dissimilar properties. This amino acid position is highly conserved in available vertebrate species. In addition, this alteration is predicted to be deleterious by in silico analysis. Since supporting evidence is limited at this time, the clinical significance of this alteration remains unclear.

GeneDx
Classification: Uncertain significance. Last evaluated: 2022-08-10. Review status: criteria provided, single submitter. Criteria: GeneDx Variant Classification Process June 2021. Collection method: clinical testing. Allele origin: germline. Affected: yes.
Comment: Not observed at significant frequency in large population cohorts (gnomAD); In silico analysis supports that this missense variant has a deleterious effect on protein structure/function; Has not been previously published as pathogenic or benign to our knowledge